The following is an entry in ClinVar:

ClinVar aggregate classification (germline): Likely pathogenic (1 of 4 stars; one submission).

Conditions:
Generalized epilepsy with febrile seizures plus, type 7 (GEFSP7). Also called: GEFS+, TYPE 7. Identifiers: Orphanet 36387, MedGen C2751778, MONDO:0013470, OMIM 613863.
Neuropathy, hereditary sensory and autonomic, type 2A (HSAN2A). Also called: WNK1-Related HSAN2 (HSAN2A); HSAN IIA; MORVAN DISEASE; NEUROPATHY, CONGENITAL SENSORY; NEUROPATHY, HEREDITARY SENSORY RADICULAR, AUTOSOMAL RECESSIVE; NEUROPATHY, HEREDITARY SENSORY, TYPE IIA. Identifiers: Orphanet 970, MedGen C2752089, MONDO:0024309, OMIM 201300.

Allele frequency attached by ClinVar (database versions not stated): gnomAD exomes below 0.00001.
gnomAD v4.1: 2 of 1,606,924 alleles (0.00012%); highest among the groups gnomAD compares: Non-Finnish European, 0.00017%; no homozygotes.

Submission:

Labcorp Genetics (formerly Invitae), Labcorp
Classification: Likely pathogenic for Neuropathy, hereditary sensory and autonomic, type 2A; Generalized epilepsy with febrile seizures plus, type 7. Last evaluated: 2019-08-30. Review status: criteria provided, single submitter. Criteria: Invitae Variant Classification Sherloc (09022015). Collection method: clinical testing. Allele origin: germline.
Comment: In summary, the currently available evidence indicates that the variant is pathogenic, but additional data are needed to prove that conclusively. Therefore, this variant has been classified as Likely Pathogenic. Donor and acceptor splice site variants typically lead to a loss of protein function (PMID: 16199547), and loss-of-function variants in SCN9A are known to be pathogenic (PMID: 17470132, 19304393). Algorithms developed to predict the effect of sequence changes on RNA splicing suggest that this variant may disrupt the consensus splice site, but this prediction has not been confirmed by published transcriptional studies. This variant has not been reported in the literature in individuals with SCN9A-related conditions. This variant is not present in population databases (ExAC no frequency). This sequence change affects a donor splice site in intron 8 of the SCN9A gene. It is expected to disrupt RNA splicing and likely results in an absent or disrupted protein product.

Literature cited by the submitters: PubMed 16199547; PubMed 17470132; PubMed 19304393.

NM_001365536.1(SCN9A):c.965+1G>T

Genes: SCN9A (sodium voltage-gated channel alpha subunit 9; minus strand), SCN1A-AS1 (SCN1A and SCN9A antisense RNA 1; plus strand). Cytogenetic location: 2q24.3.
Variant type: single nucleotide variant.
Coding change: c.965+1G>T on transcript NM_001365536.1 (MANE Select); the canonical splice donor site of the intron after coding-DNA position 965, G replaced by T.
Molecular consequence: splice donor variant. On other transcripts: non-coding transcript variant (1).
Genome position (GRCh38, 1-based): chr2:166,294,598, C>A on the plus strand (G>T on the coding strand, the complement: SCN9A is on the minus strand). VCF-style: chr2-166294598-C-A. GRCh37 (hg19) VCF-style: chr2-167151108-C-A.
Other names: c.965+1G>T (NM_002977.4).
Identifiers: ClinVar variation 962722 (VCV000962722.8), dbSNP rs1698219355, ClinGen allele CA349089574.